The following is an entry in ClinVar:

NM_020944.3(GBA2):c.1361_1362del (p.Glu454fs)

Genes: CREB3 (cAMP responsive element binding protein 3; plus strand), GBA2 (glucosylceramidase beta 2; minus strand). Cytogenetic location: 9p13.3.
Variant type: Microsatellite.
Coding change: c.1361_1362del on transcript NM_020944.3 (MANE Select); coding-DNA positions 1361 to 1362, 2 bases deleted (AG; older notation c.1361_1362delAG).
Protein change: p.Glu454fs; shifts the reading frame from glutamic acid 454.
Molecular consequence: frameshift variant.
Genome position (GRCh38, 1-based): chr9:35,740,045-35,740,046, CT deleted on the plus strand (AG on the coding strand, the reverse complement: GBA2 is on the minus strand); deleting any 2 consecutive bases within chr9:35,740,045-35,740,048 gives the same sequence; the c. name uses the placement nearest the transcript's 3' end. VCF-style (leftmost placement, unchanged base first): chr9-35740044-ACT-A. GRCh37 (hg19) VCF-style: chr9-35740041-ACT-A.
Other names: c.1361_1362del, p.Glu454fs (NM_001330660.2); c.1361_1362delAG (NM_020944.3); short protein forms E454fs.
Identifiers: ClinVar variation 2173795 (VCV002173795.6), dbSNP rs1563960433, ClinGen allele CA588145594.
Genomic context (GRCh38, chr9:35,740,044, plus strand): 5'-GGCCCCACTGGCACCTGTCATCCAATACCGGGCTCTGCCAAGCTGAGATCCTCTCTTCCC[ACT>A]CTGCGTATCGGCACAGTGCATAGTGGCTGAGGGCAGGTGCTGCATCTCCATCCTGGCCAA-3'

ClinVar aggregate classification (germline): Pathogenic/Likely pathogenic. Review status: criteria provided, multiple submitters, no conflicts (2 of 4 stars). 3 submissions from 3 submitters: Pathogenic (2); Likely pathogenic (1). Last evaluated 2025-12-19.

Conditions:
Hereditary spastic paraplegia 46. Also called: Spastic paraplegia 46, autosomal recessive. Identifiers: Orphanet 320391, MedGen C2828721, MONDO:0013737, OMIM 614409.
Spastic paraplegia. Identifiers: MedGen C0037772, HP:0001258.

Submissions (3):

Institute of Medical Genetics and Applied Genomics, University Hospital Tübingen
Classification: Pathogenic for Hereditary spastic paraplegia 46. Last evaluated: 2025-12-19. Review status: criteria provided, single submitter. Criteria: ACMG Guidelines, 2015. Collection method: clinical testing. Allele origin: germline. Inheritance: Autosomal recessive inheritance. Affected: yes.

First Genomix Gene Laboratory, Genetic Diagnostics Department
Classification: Likely pathogenic for Hereditary spastic paraplegia 46. Last evaluated: 2025-06-20. Review status: criteria provided, single submitter. Criteria: ACMG Guidelines, 2015. Collection method: clinical testing. Allele origin: germline. Inheritance: Autosomal recessive inheritance. Affected: no. Observed: 1 variant allele.

Labcorp Genetics (formerly Invitae), Labcorp
Classification: Pathogenic for Spastic paraplegia. Last evaluated: 2025-03-07. Review status: criteria provided, single submitter. Criteria: Invitae Variant Classification Sherloc (09022015). Collection method: clinical testing. Allele origin: germline.
Comment: This sequence change creates a premature translational stop signal (p.Glu454Valfs*15) in the GBA2 gene. It is expected to result in an absent or disrupted protein product. Loss-of-function variants in GBA2 are known to be pathogenic (PMID: 23332916, 23332917). This variant is present in population databases (no rsID available, gnomAD 0.002%). This variant has not been reported in the literature in individuals affected with GBA2-related conditions. For these reasons, this variant has been classified as Pathogenic.

Literature cited by the submitters: PubMed 23332916 (cited by Labcorp Genetics (formerly Invitae), Labcorp); PubMed 23332917 (cited by Labcorp Genetics (formerly Invitae), Labcorp).